The following is an entry in ClinVar:

ClinVar aggregate classification (germline): Pathogenic (1 of 4 stars; one submission).

Conditions:
Mitochondrial DNA depletion syndrome 1. Also called: POLIP SYNDROME; POLYNEUROPATHY, OPHTHALMOPLEGIA, LEUKOENCEPHALOPATHY, AND INTESTINAL PSEUDOOBSTRUCTION; Mitochondrial Neurogastrointestinal Encephalopathy Disease; MITOCHONDRIAL NEUROGASTROINTESTINAL ENCEPHALOPATHY SYNDROME, TYMP-RELATED; MNGIE, TYMP-RELATED; Mitochondrial neurogastrointestinal encephalomyopathy syndrome. Identifiers: Orphanet 298, MedGen C4551995, MONDO:0011283, OMIM 603041.

Submission:

Myriad Genetics, Inc.
Classification: Pathogenic for Mitochondrial DNA depletion syndrome 1. Last evaluated: 2026-03-19. Review status: criteria provided, single submitter. Criteria: Myriad Autosomal Dominant, Autosomal Recessive and X-Linked Classification Criteria (2023). Collection method: clinical testing. Allele origin: unknown.
Comment: NM_001953.4(TYMP):c.330_331ins8(Q111Tfs*35) is expected to be pathogenic in the context of mitochondrial neurogastrointestinal encephalopathy disease. This variant is predicted to lead to an abnormal or absent protein product due to the creation of a premature termination codon in TYMP, a gene where loss-of-function variants are known to be pathogenic. Please note: this variant was assessed in the context of healthy population screening.

NM_001953.5(TYMP):c.330_331insACACTCAA (p.Gln111fs)

Gene: TYMP (thymidine phosphorylase; minus strand). Cytogenetic location: 22q13.33.
Variant type: Insertion.
Coding change: c.330_331insACACTCAA on transcript NM_001953.5 (MANE Select); coding-DNA positions 330 to 331, ACACTCAA inserted.
Protein change: p.Gln111fs; shifts the reading frame from glutamine 111.
Molecular consequence: frameshift variant.
Genome position: GRCh38 VCF-style: chr22-50529222-G-GTTGAGTGT. GRCh37 (hg19) VCF-style: chr22-50967651-G-GTTGAGTGT.
Other names: c.330_331insACACTCAA, p.Gln111fs (NM_001113755.3, NM_001113756.3, NM_001257988.1 and 1 more transcripts); short protein forms Q111fs.
Identifiers: ClinVar variation 5011213 (VCV005011213.1).